The following is an entry in ClinVar:

ClinVar aggregate classification (germline): Uncertain significance (1 of 4 stars; one submission).

Allele frequency attached by ClinVar (database versions not stated): 1000 Genomes Project 30x 0.00016; gnomAD 0.00023; 1000 Genomes Project 0.00020; ESP Exome Variant Server 0.00023.
gnomAD v4.1: 378 of 1,614,120 alleles (0.023%); highest among the groups gnomAD compares: South Asian, 0.052%; no homozygotes.

Submission:

Labcorp Genetics (formerly Invitae), Labcorp
Classification: Uncertain significance. Last evaluated: 2022-03-18. Review status: criteria provided, single submitter. Criteria: Invitae Variant Classification Sherloc (09022015). Collection method: clinical testing. Allele origin: germline.
Comment: This sequence change replaces asparagine, which is neutral and polar, with serine, which is neutral and polar, at codon 531 of the BMPER protein (p.Asn531Ser). This variant is present in population databases (rs140570715, gnomAD 0.04%). This variant has not been reported in the literature in individuals affected with BMPER-related conditions. Algorithms developed to predict the effect of missense changes on protein structure and function are either unavailable or do not agree on the potential impact of this missense change (SIFT: "Deleterious"; PolyPhen-2: "Benign"; Align-GVGD: "Class C45"). Algorithms developed to predict the effect of sequence changes on RNA splicing suggest that this variant may create or strengthen a splice site. In summary, the available evidence is currently insufficient to determine the role of this variant in disease. Therefore, it has been classified as a Variant of Uncertain Significance.

NM_001365308.1(BMPER):c.1592A>G (p.Asn531Ser)

Gene: BMPER (BMP binding endothelial regulator; plus strand). Cytogenetic location: 7p14.3.
Variant type: single nucleotide variant.
Coding change: c.1592A>G on transcript NM_001365308.1 (MANE Select); coding-DNA position 1592, A replaced by G.
Protein change: p.Asn531Ser; replaces asparagine 531 with serine.
Molecular consequence: missense variant.
Genome position (GRCh38, 1-based): chr7:34,085,939, A>G. VCF-style: chr7-34085939-A-G. GRCh37 (hg19) VCF-style: chr7-34125551-A-G.
Other names: c.1592A>G, p.Asn531Ser (NM_133468.5); short protein forms N531S.
Identifiers: ClinVar variation 1413980 (VCV001413980.5), dbSNP rs140570715, ClinGen allele CA4215441.